The following is an entry in ClinVar:

ClinVar aggregate classification (germline): Likely benign (0 of 4 stars; one submission).

Conditions:
STXBP2-related disorder. Also called: STXBP2-related condition.

Submission:

PreventionGenetics, part of Exact Sciences
Classification: Likely benign for STXBP2-related condition. Last evaluated: 2019-09-17. Review status: no assertion criteria provided. Collection method: clinical testing. Allele origin: germline.
Comment: This variant is classified as likely benign based on ACMG/AMP sequence variant interpretation guidelines (Richards et al. 2015 PMID: 25741868, with internal and published modifications).

NM_006949.4(STXBP2):c.578+7del

Gene: STXBP2 (syntaxin binding protein 2; plus strand). Cytogenetic location: 19p13.2.
Variant type: Deletion.
Coding change: c.578+7del on transcript NM_006949.4 (MANE Select); 7 bases into the intron after coding-DNA position 578, one base deleted (A; older notation c.578+7delA).
Molecular consequence: intron variant.
Genome position (GRCh38, 1-based): chr19:7,641,860, A deleted. VCF-style (leftmost placement, unchanged base first): chr19-7641859-GA-G. GRCh37 (hg19) VCF-style: chr19-7706745-GA-G.
Other names: c.482+7del (NM_001414484.1); c.611+7del (NM_001272034.2); c.569+7del (NM_001127396.3).
Identifiers: ClinVar variation 3040836 (VCV003040836.2), dbSNP rs2512695866, ClinGen allele CA1139768653.
Genomic context (GRCh38, chr19:7,641,859, plus strand): 5'-AGATTGCCACGCTGTGCGCCACCCTGCAGGAGTACCCGGCCATCCGCTACCGCAAGTGGG[GA>G]CCCCACCCAGCCCCACCCCGATGCCGACCCCCCCTTAACCGCGTGCAACACCTAACCTTT-3'